The following is an entry in ClinVar:

ClinVar aggregate classification (germline): Uncertain significance (1 of 4 stars; one submission).

Conditions:
Intellectual developmental disorder, X-linked, syndromic 14. Also called: Syndromic X-linked intellectual disability 14. Identifiers: Orphanet 776, MedGen C1970822, MONDO:0010398, OMIM 300676.

gnomAD v4.1: 4 of 1,206,293 alleles (0.00033%); highest among the groups gnomAD compares: South Asian, 0.0071%; no homozygotes.

Submissions (5):

Labcorp Genetics (formerly Invitae), Labcorp
Classification: Uncertain significance for Intellectual developmental disorder, X-linked, syndromic 14. Last evaluated: 2025-03-13. Review status: criteria provided, single submitter. Criteria: Invitae Variant Classification Sherloc (09022015). Collection method: clinical testing. Allele origin: germline.
Comment: This sequence change replaces histidine, which is basic and polar, with arginine, which is basic and polar, at codon 271 of the UPF3B protein (p.His271Arg). This variant is present in population databases (rs759351290, gnomAD 0.02%). This variant has not been reported in the literature in individuals affected with UPF3B-related conditions. An algorithm developed to predict the effect of missense changes on protein structure and function (PolyPhen-2) suggests that this variant is likely to be tolerated. In summary, the available evidence is currently insufficient to determine the role of this variant in disease. Therefore, it has been classified as a Variant of Uncertain Significance.

Dr. Peter K. Rogan Lab, Western University
No classification provided (evidence only). Condition: Thyroid cancer, nonmedullary, 1. Review status: no classification provided. Collection method: in vitro. Allele origin: not applicable. Functional consequence: retained intron. Not counted in ClinVar's aggregate classification.

Dr. Peter K. Rogan Lab, Western University
No classification provided (evidence only). Condition: Nonpapillary renal cell carcinoma. Review status: no classification provided. Collection method: in vitro. Allele origin: not applicable. Functional consequence: retained intron. Not counted in ClinVar's aggregate classification.

Dr. Peter K. Rogan Lab, Western University
No classification provided (evidence only). Condition: Nonpapillary renal cell carcinoma. Review status: no classification provided. Collection method: in vitro. Allele origin: not applicable. Functional consequence: retained intron. Not counted in ClinVar's aggregate classification.

Dr. Peter K. Rogan Lab, Western University
No classification provided (evidence only). Condition: Nonpapillary renal cell carcinoma. Review status: no classification provided. Collection method: in vitro. Allele origin: not applicable. Functional consequence: retained intron. Not counted in ClinVar's aggregate classification.

NM_080632.3(UPF3B):c.812A>G (p.His271Arg)

Gene: UPF3B (UPF3B regulator of nonsense mediated mRNA decay; minus strand). Cytogenetic location: Xq24.
Variant type: single nucleotide variant.
Coding change: c.812A>G on transcript NM_080632.3 (MANE Select); coding-DNA position 812, A replaced by G.
Protein change: p.His271Arg; replaces histidine 271 with arginine.
Molecular consequence: missense variant. On other transcripts: intron variant (1).
Genome position (GRCh38, 1-based): chrX:119,840,680, T>C on the plus strand (A>G on the coding strand, the complement: UPF3B is on the minus strand). VCF-style: chrX-119840680-T-C. GRCh37 (hg19) VCF-style: chrX-118974643-T-C.
Other names: NC_000023.10:g.118974643T>C; c.807+396A>G (NM_023010.4); short protein forms H271R.
Identifiers: ClinVar variation 4467402 (VCV004467402.2).